The following is an entry in ClinVar:

NM_001042472.3(ABHD12):c.*321G>T

Gene: ABHD12 (abhydrolase domain containing 12, lysophospholipase; minus strand). Cytogenetic location: 20p11.21.
Variant type: single nucleotide variant.
Coding change: c.*321G>T on transcript NM_001042472.3 (MANE Select); 321 bases downstream of the stop codon, G replaced by T.
Molecular consequence: 3 prime UTR variant. On other transcripts: intron variant (1).
Genome position (GRCh38, 1-based): chr20:25,300,524, C>A on the plus strand (G>T on the coding strand, the complement: ABHD12 is on the minus strand). VCF-style: chr20-25300524-C-A. GRCh37 (hg19) VCF-style: chr20-25281160-C-A.
Other names: c.1157+1695G>T (NM_015600.5).
Identifiers: ClinVar variation 337985 (VCV000337985.5), dbSNP rs534140287, ClinGen allele CA10649455.

ClinVar aggregate classification (germline): Benign (1 of 4 stars; one submission).

Conditions:
PHARC syndrome. Also called: Polyneuropathy-hearing loss-ataxia-retinitis pigmentosa-cataract syndrome. Identifiers: Orphanet 171848, MedGen C2675204, MONDO:0012984, OMIM 612674.

Allele frequency attached by ClinVar (database versions not stated): 1000 Genomes Project 0.01657; TOPMed 0.01732.
gnomAD v4.1: 4,068 of 1,203,738 alleles (0.34%); highest among the groups gnomAD compares: African/African-American, 6.7%; 104 homozygotes.

Submission:

Illumina Laboratory Services, Illumina
Classification: Benign for PHARC syndrome. Last evaluated: 2018-01-12. Review status: criteria provided, single submitter. Criteria: ICSL Variant Classification Criteria 13 December 2019. Collection method: clinical testing. Allele origin: germline.
Comment: This variant was observed in the ICSL laboratory as part of a predisposition screen in an ostensibly healthy population. It had not been previously curated by ICSL or reported in the Human Gene Mutation Database (HGMD: prior to June 1st, 2018), and was therefore a candidate for classification through an automated scoring system. Utilizing variant allele frequency, disease prevalence and penetrance estimates, and inheritance mode, an automated score was calculated to assess if this variant is too frequent to cause the disease. Based on the score and internal cut-off values, a variant classified as benign is not then subjected to further curation. The score for this variant resulted in a classification of benign for this disease.